The following is an entry in ClinVar:

NM_003491.4(NAA10):c.375C>T (p.Thr125=)

Gene: NAA10 (N-alpha-acetyltransferase 10, NatA catalytic subunit; minus strand). Cytogenetic location: Xq28.
Variant type: single nucleotide variant.
Coding change: c.375C>T on transcript NM_003491.4 (MANE Select); coding-DNA position 375, C replaced by T.
Protein change: p.Thr125=; no amino-acid change (threonine 125 retained).
Molecular consequence: synonymous variant. On other transcripts: intron variant (1).
Genome position (GRCh38, 1-based): chrX:153,932,082, G>A on the plus strand (C>T on the coding strand, the complement: NAA10 is on the minus strand). VCF-style: chrX-153932082-G-A. GRCh37 (hg19) VCF-style: chrX-153197535-G-A.
Other names: c.357C>T, p.Thr119= (NM_001256120.2); c.341+234C>T (NM_001256119.2).
Identifiers: ClinVar variation 1941908 (VCV001941908.29), dbSNP rs782718393, ClinGen allele CA10556168.

ClinVar aggregate classification (germline): Benign/Likely benign. Review status: criteria provided, multiple submitters, no conflicts (2 of 4 stars). 2 submissions from 2 submitters: Benign (1); Likely benign (1). Last evaluated 2024-08-12.

Allele frequency attached by ClinVar (database versions not stated): ExAC 0.00001; TOPMed 0.00001; gnomAD 0.00002.
gnomAD v4.1: 33 of 1,210,552 alleles (0.0027%); highest among the groups gnomAD compares: South Asian, 0.0053%; no homozygotes.

Submissions (2):

Labcorp Genetics (formerly Invitae), Labcorp
Classification: Benign. Last evaluated: 2024-08-12. Review status: criteria provided, single submitter. Criteria: Invitae Variant Classification Sherloc (09022015). Collection method: clinical testing. Allele origin: germline.

CeGaT Center for Human Genetics Tuebingen
Classification: Likely benign. Last evaluated: 2023-07-01. Review status: criteria provided, single submitter. Criteria: CeGaT Center For Human Genetics Tuebingen Variant Classification Criteria Version 2. Collection method: clinical testing. Allele origin: germline. Affected: yes. Observed: 1 variant allele.
Comment: NAA10: BP4, BP7, BS2